The following is an entry in ClinVar:

NM_007055.4(POLR3A):c.2575G>C (p.Val859Leu)

Gene: POLR3A (RNA polymerase III subunit A; minus strand). Cytogenetic location: 10q22.3.
Variant type: single nucleotide variant.
Coding change: c.2575G>C on transcript NM_007055.4 (MANE Select); coding-DNA position 2575, G replaced by C.
Protein change: p.Val859Leu; replaces valine 859 with leucine.
Molecular consequence: missense variant.
Genome position (GRCh38, 1-based): chr10:78,000,022, C>G on the plus strand (G>C on the coding strand, the complement: POLR3A is on the minus strand). VCF-style: chr10-78000022-C-G. GRCh37 (hg19) VCF-style: chr10-79759780-C-G.
Other names: short protein forms V859L.
Identifiers: ClinVar variation 1713892 (VCV001713892.5), dbSNP rs2493206473, ClinGen allele CA377335490.
Genomic context (GRCh38, chr10:78,000,022, plus strand): 5'-CTACATTTCTTCAGGTTACCTGCATGTATCCCGTTTCAGCTGTCTTTACAGCCGTGTCGA[C>G]TAGACCTTCCCGGCCGGCCATTGTGTGGAAGAAAAACTCAGTTGGTGTCAAACCGGAATA-3'
Protein context (NP_008986.2, residues 849-869): FHTMAGREGL[Val859Leu]DTAVKTAETG

ClinVar aggregate classification (germline): Uncertain significance (1 of 4 stars; one submission).

Submission:

Labcorp Genetics (formerly Invitae), Labcorp
Classification: Uncertain significance. Last evaluated: 2022-07-26. Review status: criteria provided, single submitter. Criteria: Invitae Variant Classification Sherloc (09022015). Collection method: clinical testing. Allele origin: germline.
Comment: This variant has not been reported in the literature in individuals affected with POLR3A-related conditions. Algorithms developed to predict the effect of missense changes on protein structure and function are either unavailable or do not agree on the potential impact of this missense change (SIFT: "Deleterious"; PolyPhen-2: "Possibly Damaging"; Align-GVGD: "Class C0"). In summary, the available evidence is currently insufficient to determine the role of this variant in disease. Therefore, it has been classified as a Variant of Uncertain Significance. This variant is not present in population databases (gnomAD no frequency). This sequence change replaces valine, which is neutral and non-polar, with leucine, which is neutral and non-polar, at codon 859 of the POLR3A protein (p.Val859Leu).